The following is an entry in ClinVar:

NM_001080467.3(MYO5B):c.2763G>T (p.Val921=)

Gene: MYO5B (myosin VB; minus strand). Cytogenetic location: 18q21.1.
Variant type: single nucleotide variant.
Coding change: c.2763G>T on transcript NM_001080467.3 (MANE Select); coding-DNA position 2763, G replaced by T.
Protein change: p.Val921=; no amino-acid change (valine 921 retained).
Molecular consequence: synonymous variant.
Genome position (GRCh38, 1-based): chr18:49,902,642, C>A on the plus strand (G>T on the coding strand, the complement: MYO5B is on the minus strand). VCF-style: chr18-49902642-C-A. GRCh37 (hg19) VCF-style: chr18-47429012-C-A.
Identifiers: ClinVar variation 3050926 (VCV003050926.2), dbSNP rs765058220, ClinGen allele CA8960956.

ClinVar aggregate classification (germline): Likely benign (0 of 4 stars; one submission).

Conditions:
MYO5B-related disorder. Also called: MYO5B-related condition.

Allele frequency attached by ClinVar (database versions not stated): TOPMed below 0.00001; ExAC 0.00001; gnomAD 0.00001.
gnomAD v4.1: 1 of 1,613,322 alleles (0.000062%); highest among the groups gnomAD compares: African/African-American, 0.0013%; no homozygotes.

Submission:

PreventionGenetics, part of Exact Sciences
Classification: Likely benign for MYO5B-related condition. Last evaluated: 2022-10-14. Review status: no assertion criteria provided. Collection method: clinical testing. Allele origin: germline.
Comment: This variant is classified as likely benign based on ACMG/AMP sequence variant interpretation guidelines (Richards et al. 2015 PMID: 25741868, with internal and published modifications).